The following is an entry in ClinVar:

NM_032447.5(FBN3):c.7937+3G>A

Gene: FBN3 (fibrillin 3; minus strand). Cytogenetic location: 19p13.2.
Variant type: single nucleotide variant.
Coding change: c.7937+3G>A on transcript NM_032447.5 (MANE Select); 3 bases into the intron after coding-DNA position 7937, G replaced by A.
Molecular consequence: intron variant.
Genome position (GRCh38, 1-based): chr19:8,073,060, C>T on the plus strand (G>A on the coding strand, the complement: FBN3 is on the minus strand). VCF-style: chr19-8073060-C-T. GRCh37 (hg19) VCF-style: chr19-8137944-C-T.
Other names: c.7937+3G>A (NM_001321431.2).
Identifiers: ClinVar variation 4775114 (VCV004775114.1).

ClinVar aggregate classification (germline): Uncertain significance (1 of 4 stars; one submission).

gnomAD v4.1: 3 of 1,601,022 alleles (0.00019%); highest among the groups gnomAD compares: East Asian, 0.0045%; no homozygotes.

Submission:

Labcorp Genetics (formerly Invitae), Labcorp
Classification: Uncertain significance. Last evaluated: 2026-02-01. Review status: criteria provided, single submitter. Criteria: Invitae Variant Classification Sherloc (09022015). Collection method: clinical testing. Allele origin: germline.
Comment: This sequence change falls in intron 62 of the FBN3 gene. It does not directly change the encoded amino acid sequence of the FBN3 protein. It affects a nucleotide within the consensus splice site. This variant is present in population databases (rs762517296, gnomAD 0.02%). This variant has not been reported in the literature in individuals affected with FBN3-related conditions. Variants that disrupt the consensus splice site are a relatively common cause of aberrant splicing (PMID: 17576681, 9536098). Algorithms developed to predict the effect of sequence changes on RNA splicing suggest that this variant is not likely to affect RNA splicing. In summary, the available evidence is currently insufficient to determine the role of this variant in disease. Therefore, it has been classified as a Variant of Uncertain Significance.

Literature cited by the submitters: PubMed 17576681; PubMed 9536098.